The following is an entry in ClinVar:

ClinVar aggregate classification (germline): Uncertain significance (1 of 4 stars; one submission).

gnomAD v4.1: 2 of 1,611,630 alleles (0.00012%); highest among the groups gnomAD compares: Admixed American, 0.0033%; no homozygotes.

Submission:

Labcorp Genetics (formerly Invitae), Labcorp
Classification: Uncertain significance. Last evaluated: 2026-01-12. Review status: criteria provided, single submitter. Criteria: Invitae Variant Classification Sherloc (09022015). Collection method: clinical testing. Allele origin: germline.
Comment: This sequence change falls in intron 13 of the ACAN gene. It does not directly change the encoded amino acid sequence of the ACAN protein. It affects a nucleotide within the consensus splice site. This variant is present in population databases (no rsID available, gnomAD 0.003%). This variant has not been reported in the literature in individuals affected with ACAN-related conditions. Variants that disrupt the consensus splice site are a relatively common cause of aberrant splicing (PMID: 17576681, 9536098). Algorithms developed to predict the effect of sequence changes on RNA splicing suggest that this variant may disrupt the consensus splice site. In summary, the available evidence is currently insufficient to determine the role of this variant in disease. Therefore, it has been classified as a Variant of Uncertain Significance.

Literature cited by the submitters: PubMed 17576681; PubMed 9536098.

NM_001369268.1(ACAN):c.6946+3A>C

Gene: ACAN (aggrecan; plus strand). Cytogenetic location: 15q26.1.
Variant type: single nucleotide variant.
Coding change: c.6946+3A>C on transcript NM_001369268.1 (MANE Select); 3 bases into the intron after coding-DNA position 6946, A replaced by C.
Molecular consequence: intron variant.
Genome position (GRCh38, 1-based): chr15:88,860,442, A>C. VCF-style: chr15-88860442-A-C. GRCh37 (hg19) VCF-style: chr15-89403673-A-C.
Other names: c.6946+3A>C (NM_013227.4); c.6832+1025A>C (NM_001411097.1, NM_001411096.1, NM_001135.4).
Identifiers: ClinVar variation 4738035 (VCV004738035.1).